The following is an entry in ClinVar:

ClinVar aggregate classification (germline): Uncertain significance. Review status: criteria provided, single submitter (1 of 4 stars). 2 submissions from 2 submitters: Uncertain significance (1). 1 of the submissions does not count toward it. Last evaluated 2024-02-24.

Conditions:
Cardiomyopathy (CMYO). Also called: Cardiomyopathies. Identifiers: Orphanet 167848, MedGen C0878544, MONDO:0004994, HP:0001638. Inheritance: Various modes of inheritance.
Duchenne muscular dystrophy (DMD). Also called: MUSCULAR DYSTROPHY, PSEUDOHYPERTROPHIC PROGRESSIVE, DUCHENNE TYPE; Duchenne Muscular Dystrophy (DMD). Identifiers: Orphanet 98896, MedGen C0013264, MONDO:0010679, OMIM 310200.
Becker muscular dystrophy (BMD). Also called: MUSCULAR DYSTROPHY, PSEUDOHYPERTROPHIC PROGRESSIVE, BECKER TYPE; Becker Muscular Dystrophy (BMD). Identifiers: Orphanet 98895, MedGen C0917713, MONDO:0010311, OMIM 300376.
Dystrophin deficiency.

Allele frequency attached by ClinVar (database versions not stated): gnomAD 0.00003.
gnomAD v4.1: 4 of 1,208,650 alleles (0.00033%); highest among the groups gnomAD compares: Admixed American, 0.0022%; no homozygotes.

Submissions (2):

Labcorp Genetics (formerly Invitae), Labcorp
Classification: Uncertain significance for Duchenne muscular dystrophy. Last evaluated: 2024-02-24. Review status: criteria provided, single submitter. Criteria: Invitae Variant Classification Sherloc (09022015). Collection method: clinical testing. Allele origin: germline.
Comment: This sequence change replaces leucine, which is neutral and non-polar, with methionine, which is neutral and non-polar, at codon 1642 of the DMD protein (p.Leu1642Met). This variant is not present in population databases (gnomAD no frequency). This variant has not been reported in the literature in individuals affected with DMD-related conditions. ClinVar contains an entry for this variant (Variation ID: 644056). Advanced modeling of protein sequence and biophysical properties (such as structural, functional, and spatial information, amino acid conservation, physicochemical variation, residue mobility, and thermodynamic stability) performed at Invitae indicates that this missense variant is not expected to disrupt DMD protein function with a negative predictive value of 95%. In summary, the available evidence is currently insufficient to determine the role of this variant in disease. Therefore, it has been classified as a Variant of Uncertain Significance.

Natera, Inc.
Classification: Uncertain significance for Becker muscular dystrophy; Cardiomyopathy; Duchenne muscular dystrophy; Dystrophin deficiency. Last evaluated: 2018-08-28. Review status: no assertion criteria provided. Collection method: clinical testing. Allele origin: germline. Not counted in ClinVar's aggregate classification.

NM_004006.3(DMD):c.4924T>A (p.Leu1642Met)

Gene: DMD (dystrophin; minus strand). Cytogenetic location: Xp21.1.
Variant type: single nucleotide variant.
Coding change: c.4924T>A on transcript NM_004006.3 (MANE Select); coding-DNA position 4924, T replaced by A.
Protein change: p.Leu1642Met; replaces leucine 1642 with methionine.
Molecular consequence: missense variant.
Genome position (GRCh38, 1-based): chrX:32,365,121, A>T on the plus strand (T>A on the coding strand, the complement: DMD is on the minus strand). VCF-style: chrX-32365121-A-T. GRCh37 (hg19) VCF-style: chrX-32383238-A-T.
Other names: c.4900T>A, p.Leu1634Met (NM_000109.4); c.4912T>A, p.Leu1638Met (NM_004009.3); c.4555T>A, p.Leu1519Met (NM_004010.3); c.901T>A, p.Leu301Met (NM_004011.4); c.892T>A, p.Leu298Met (NM_004012.4); short protein forms L1638M, L1634M, L1642M, L301M, L1519M, L298M.
Identifiers: ClinVar variation 644056 (VCV000644056.7), dbSNP rs376720373, ClinGen allele CA412672163.
Genomic context (GRCh38, chrX:32,365,121, plus strand): 5'-CTATCCAGTTACTATTCAGAAGACTGAGTTTATCTTCCACCAACGTCTCCTTCTTGCCCA[A>T]AACTGTTTTCAAGGCCTCTCCTACCTCTGTGATACTCTTCAGGTGCACCTTCTGTTTCTC-3'
Protein context (NP_003997.2, residues 1632-1652): TEVGEALKTV[Leu1642Met]GKKETLVEDK